The following is an entry in ClinVar:

NM_174936.4(PCSK9):c.1099G>C (p.Asp367His)

Gene: PCSK9 (proprotein convertase subtilisin/kexin type 9; plus strand). Cytogenetic location: 1p32.3.
Variant type: single nucleotide variant.
Coding change: c.1099G>C on transcript NM_174936.4 (MANE Select); coding-DNA position 1099, G replaced by C.
Protein change: p.Asp367His; replaces aspartic acid 367 with histidine.
Molecular consequence: missense variant.
Genome position (GRCh38, 1-based): chr1:55,057,433, G>C. VCF-style: chr1-55057433-G-C. GRCh37 (hg19) VCF-style: chr1-55523106-G-C.
Other names: c.1222G>C, p.Asp408His (NM_001407240.1); c.1099G>C, p.Asp367His (NM_001407241.1, NM_001407244.1, NM_001407247.1); c.1102G>C, p.Asp368His (NM_001407242.1); c.1042G>C, p.Asp348His (NM_001407243.1); c.907G>C, p.Asp303His (NM_001407245.1); c.724G>C, p.Asp242His (NM_001407246.1); short protein forms D367H, D348H, D368H, D408H, D242H, D303H.
Identifiers: ClinVar variation 772622 (VCV000772622.25), dbSNP rs141867978, ClinGen allele CA035095.

ClinVar aggregate classification (germline): Conflicting classifications of pathogenicity. Review status: criteria provided, conflicting classifications (1 of 4 stars). 10 submissions from 9 submitters: Uncertain significance (3); Benign (1); Likely benign (6). Last evaluated 2026-06-08.

Conditions:
Familial hypercholesterolemia. Also called: Familial hypercholesterolaemia; Familial hypercholesterolemias. Identifiers: MedGen C0020445, MONDO:0005439.
Hypercholesterolemia, autosomal dominant, 3 (FHCL3). Also called: Familial hypercholesterolemia 3; PCSK9-Related Familial Hypercholesterolemia, Autosomal Dominant; Familial Hypercholesterolemia, Autosomal Dominant, 3. Identifiers: MedGen C1863551, MONDO:0011369, OMIM 603776.
Cardiovascular phenotype. Identifiers: MedGen CN230736.
Hypobetalipoproteinemia. Identifiers: Orphanet 31154, MedGen C0020597, MONDO:0017774.

Allele frequency attached by ClinVar (database versions not stated): gnomAD below 0.00001 and 0.00009; gnomAD exomes 0.00011; 1000 Genomes Project 0.00080; 1000 Genomes Project 30x 0.00125.
gnomAD v4.1: 174 of 1,614,094 alleles (0.011%); highest among the groups gnomAD compares: South Asian, 0.19%; 6 homozygotes.

Submissions (10):

Cambridge Genomics Laboratory, East Genomic Laboratory Hub, NHS Genomic Medicine Service
Classification: Benign for Familial hypercholesterolaemia. Last evaluated: 2026-06-08. Review status: criteria provided, single submitter. Criteria: ACGS Best Practice Guidelines for Variant Classification in Rare Disease 2020. Collection method: clinical testing. Allele origin: germline. Affected: yes.

Labcorp Genetics (formerly Invitae), Labcorp
Classification: Likely benign for Hypercholesterolemia, autosomal dominant, 3. Last evaluated: 2025-11-12. Review status: criteria provided, single submitter. Criteria: Invitae Variant Classification Sherloc (09022015). Collection method: clinical testing. Allele origin: germline.

Blueprint Genetics
Classification: Likely benign. Last evaluated: 2023-12-19. Review status: criteria provided, single submitter. Criteria: ACMG Guidelines, 2015. Collection method: clinical testing. Allele origin: germline.

Women's Health and Genetics/Laboratory Corporation of America, LabCorp
Classification: Likely benign. Last evaluated: 2023-07-18. Review status: criteria provided, single submitter. Criteria: LabCorp Variant Classification Summary - May 2015. Collection method: clinical testing. Allele origin: germline.

Ambry Genetics
Classification: Likely benign for Cardiovascular phenotype. Last evaluated: 2022-05-31. Review status: criteria provided, single submitter. Criteria: Ambry Variant Classification Scheme 2023. Collection method: clinical testing. Allele origin: germline.

Phosphorus, Inc.
Classification: Uncertain significance. Last evaluated: 2022-01-14. Review status: criteria provided, single submitter. Criteria: ACMG Guidelines, 2015. Collection method: clinical testing. Allele origin: germline. Inheritance: Autosomal dominant inheritance.
Comment: This missense variant results in an amino acid substitution of Aspartic acid with Histidine at codon 367 of the PCSK9 gene (transcript: NM_174936.3). This variant has an entry in ClinVar (772622) NM_174936.4(PCSK9):c.1099G>C (p.Asp367His). This variant occurred in gnomAD with a total MAF of 0 0.0232% and with the highest MAF of 0.1819% in the South Asian population. This position is not conserved. In silico functional algorithms disagree and predict this variant to be probably damaging (PolyPhen) and tolerated (SIFT). However, no functional studies were performed to confirm either of those predictions. The variant has not occurred in the literature in association with the disease. Considering that this is a rare variant and the available evidence is not enough to ascertain its role in disease, it has been classified as Variant of Uncertain Significance.

GeneDx
Classification: Uncertain significance. Last evaluated: 2021-01-14. Review status: criteria provided, single submitter. Criteria: GeneDx Variant Classification Process June 2021. Collection method: clinical testing. Allele origin: germline. Affected: yes.
Comment: Has not been previously published as pathogenic or benign to our knowledge; Reported in ClinVar (ClinVar Variant ID# 772622; Landrum et al., 2016); In silico analysis supports that this missense variant has a deleterious effect on protein structure/function

Color Diagnostics, LLC DBA Color Health
Classification: Likely benign for Familial hypercholesterolemia. Last evaluated: 2019-07-31. Review status: criteria provided, single submitter. Criteria: ACMG Guidelines, 2015. Collection method: clinical testing. Allele origin: germline.

Illumina Laboratory Services, Illumina
Classification: Uncertain significance for Hypercholesterolemia, autosomal dominant, 3. Last evaluated: 2018-01-12. Review status: criteria provided, single submitter. Criteria: ICSL Variant Classification Criteria 13 December 2019. Collection method: clinical testing. Allele origin: germline.

Illumina Laboratory Services, Illumina
Classification: Likely benign for Hypobetalipoproteinemia. Last evaluated: 2018-01-12. Review status: criteria provided, single submitter. Criteria: ICSL Variant Classification Criteria 13 December 2019. Collection method: clinical testing. Allele origin: germline.
Comment: This variant was observed in the ICSL laboratory as part of a predisposition screen in an ostensibly healthy population. It had not been previously curated by ICSL or reported in the Human Gene Mutation Database (HGMD: prior to June 1st, 2018), and was therefore a candidate for classification through an automated scoring system. Utilizing variant allele frequency, disease prevalence and penetrance estimates, and inheritance mode, an automated score was calculated to assess if this variant is too frequent to cause the disease. Based on the score and internal cut-off values, a variant classified as likely benign is not then subjected to further curation. The score for this variant resulted in a classification of likely benign for this disease.